The following is an entry in ClinVar:

NM_005765.3(ATP6AP2):c.66A>C (p.Leu22Phe)

Gene: ATP6AP2 (ATPase H+ transporting accessory protein 2; plus strand). Cytogenetic location: Xp11.4.
Variant type: single nucleotide variant.
Coding change: c.66A>C on transcript NM_005765.3 (MANE Select); coding-DNA position 66, A replaced by C.
Protein change: p.Leu22Phe; replaces leucine 22 with phenylalanine.
Molecular consequence: missense variant.
Genome position (GRCh38, 1-based): chrX:40,589,014, A>C. VCF-style: chrX-40589014-A-C. GRCh37 (hg19) VCF-style: chrX-40448266-A-C.
Other names: short protein forms L22F.
Identifiers: ClinVar variation 2413007 (VCV002413007.3), dbSNP rs2518960189, ClinGen allele CA412752269.

ClinVar aggregate classification (germline): Uncertain significance (1 of 4 stars; one submission).

Submission:

GeneDx
Classification: Uncertain significance. Last evaluated: 2022-07-28. Review status: criteria provided, single submitter. Criteria: GeneDx Variant Classification Process June 2021. Collection method: clinical testing. Allele origin: germline. Affected: yes.
Comment: Not observed at significant frequency in large population cohorts (gnomAD); In silico analysis supports that this missense variant has a deleterious effect on protein structure/function; Has not been previously published as pathogenic or benign to our knowledge